The following is an entry in ClinVar:

ClinVar aggregate classification (germline): Benign. Review status: criteria provided, multiple submitters, no conflicts (2 of 4 stars). 3 submissions from 3 submitters: Benign (3). Last evaluated 2024-07-15.

Allele frequency attached by ClinVar (database versions not stated): ESP Exome Variant Server 0.08004; 1000 Genomes Project 30x 0.08042; 1000 Genomes Project 0.08147; TOPMed 0.08165; gnomAD 0.08226 and 0.08258; ExAC 0.09274; gnomAD exomes 0.09309 and 0.10611.
gnomAD v4.1: 167,281 of 1,613,650 alleles (10%); highest among the groups gnomAD compares: East Asian, 13%; 9,204 homozygotes.

Submissions (3):

Unidad de Genómica Garrahan, Hospital de Pediatría Garrahan
Classification: Benign. Last evaluated: 2024-07-15. Review status: criteria provided, single submitter. Criteria: ACMG Guidelines, 2015. Collection method: clinical testing. Allele origin: germline. Affected: no. Observed: 19 variant alleles.
Comment: This variant is classified as Benign based on local population frequency. This variant was detected in 20% of patients studied in a panel designed for Epileptic and Developmental Encephalopathy and Progressive Myoclonus Epilepsy. Number of patients: 19. Only high quality variants are reported.

GeneDx
Classification: Benign. Last evaluated: 2018-06-14. Review status: criteria provided, single submitter. Criteria: GeneDx Variant Classification (06012015). Collection method: clinical testing. Allele origin: germline. Affected: yes.
Comment: This variant is considered likely benign or benign based on one or more of the following criteria: it is a conservative change, it occurs at a poorly conserved position in the protein, it is predicted to be benign by multiple in silico algorithms, and/or has population frequency not consistent with disease.

Breakthrough Genomics
Classification: Benign. Review status: criteria provided, single submitter. Criteria: ACMG Guidelines, 2015. Collection method: not provided. Allele origin: germline. Inheritance: Autosomal recessive inheritance. Affected: yes.

NM_000702.4(ATP1A2):c.749-27C>A

Gene: ATP1A2 (ATPase Na+/K+ transporting subunit alpha 2; plus strand). Cytogenetic location: 1q23.2.
Variant type: single nucleotide variant.
Coding change: c.749-27C>A on transcript NM_000702.4 (MANE Select); 27 bases into the intron before coding-DNA position 749, C replaced by A.
Molecular consequence: intron variant.
Genome position (GRCh38, 1-based): chr1:160,127,525, C>A. VCF-style: chr1-160127525-C-A. GRCh37 (hg19) VCF-style: chr1-160097315-C-A.
Identifiers: ClinVar variation 670905 (VCV000670905.4), dbSNP rs2295623, ClinGen allele CA1194278.
Genomic context (GRCh38, chr1:160,127,525, plus strand): 5'-GATGATTTTCCTTGCTCAGGAAATAGGATGGGACTGCAGTCCCTGGGAGCCACAAGGCAC[C>A]CAACCTGATGCCCCACCATGTTGCAGGCACTGCCAGGGGCATTGTGATTGCCACAGGAGA-3'